The following is an entry in ClinVar:

NM_016030.6(TRAPPC12):c.1758C>T (p.Ile586=)

Gene: TRAPPC12 (trafficking protein particle complex subunit 12; plus strand). Cytogenetic location: 2p25.3.
Variant type: single nucleotide variant.
Coding change: c.1758C>T on transcript NM_016030.6 (MANE Select); coding-DNA position 1758, C replaced by T.
Protein change: p.Ile586=; no amino-acid change (isoleucine 586 retained).
Molecular consequence: synonymous variant.
Genome position (GRCh38, 1-based): chr2:3,465,677, C>T. VCF-style: chr2-3465677-C-T. GRCh37 (hg19) VCF-style: chr2-3469448-C-T.
Other names: c.1758C>T, p.Ile586= (NM_001321102.2).
Identifiers: ClinVar variation 3025592 (VCV003025592.22), dbSNP rs140115444, ClinGen allele CA1515615.
Genomic context (GRCh38, chr2:3,465,677, plus strand): 5'-GGCGTATCATTCGGTTATCAAGTATTACCCAGAGCAAGAGCCCCAGCTGCTCAGCGGCAT[C>T]GGCCGGATTTCCCTGCAGGTACCTGTGCACGGTCAGACATGAGCCAGAAAGGCCTTATGA-3'
Protein context (NP_057114.5, residues 576-596): PEQEPQLLSG[Ile586=]GRISLQIGDI

ClinVar aggregate classification (germline): Likely benign (1 of 4 stars; one submission).

Allele frequency attached by ClinVar (database versions not stated): ExAC 0.00002; gnomAD 0.00003; gnomAD exomes 0.00003; TOPMed 0.00003; ESP Exome Variant Server 0.00008.
gnomAD v4.1: 45 of 1,613,942 alleles (0.0028%); highest among the groups gnomAD compares: Non-Finnish European, 0.0035%; no homozygotes.

Submission:

CeGaT Center for Human Genetics Tuebingen
Classification: Likely benign. Last evaluated: 2024-01-01. Review status: criteria provided, single submitter. Criteria: CeGaT Center For Human Genetics Tuebingen Variant Classification Criteria Version 2. Collection method: clinical testing. Allele origin: germline. Affected: yes. Observed: 1 variant allele.
Comment: TRAPPC12: BP4, BP7